The following is an entry in ClinVar:

ClinVar aggregate classification (germline): Pathogenic. Review status: criteria provided, multiple submitters, no conflicts (2 of 4 stars). 2 submissions from 2 submitters: Pathogenic (2). Last evaluated 2026-04-18.

Submissions (2):

GeneDx
Classification: Pathogenic. Last evaluated: 2026-04-18. Review status: criteria provided, single submitter. Criteria: GeneDx Variant Classification Process June 2021. Collection method: clinical testing. Allele origin: germline.
Comment: Identified in a patient belonging to a cohort of patients with autosomal dominant hereditary spastic paraplegia (AD-HSP) in published literature (PMID: 10699187) but additional evidence is not available; Canonical splice site variant predicted to result in a null allele in a gene for which loss of function is a known mechanism of disease; Not observed at significant frequency in large population cohorts (gnomAD); This variant is associated with the following publications: (PMID: 25525159, 15841487, 10699187, 27688599)

Athena Diagnostics
Classification: Pathogenic. Last evaluated: 2023-06-12. Review status: criteria provided, single submitter. Criteria: Athena Diagnostics Criteria. Collection method: clinical testing. Allele origin: unknown.
Comment: This variant is expected to severely impact normal RNA splicing, and consequently, protein structure and/or function. This variant has not been reported in large, multi-ethnic general populations. This variant has been identified in at least one individual with clinical features associated with this gene.

Literature cited by the submitters: PubMed 10699187 (cited by Athena Diagnostics); PubMed 31751864 (cited by Athena Diagnostics); PubMed 27688599 (cited by Athena Diagnostics); PubMed 15841487 (cited by Athena Diagnostics).

NM_014946.4(SPAST):c.1536+1G>T

Gene: SPAST (spastin; plus strand). Cytogenetic location: 2p22.3.
Variant type: single nucleotide variant.
Coding change: c.1536+1G>T on transcript NM_014946.4 (MANE Select); the canonical splice donor site of the intron after coding-DNA position 1536, G replaced by T.
Molecular consequence: splice donor variant.
Genome position (GRCh38, 1-based): chr2:32,141,947, G>T. VCF-style: chr2-32141947-G-T. GRCh37 (hg19) VCF-style: chr2-32367016-G-T.
Other names: c.1440+1G>T (NM_199436.2, NM_001377959.1); c.1533+1G>T (NM_001363823.2); c.1437+1G>T (NM_001363875.2).
Identifiers: ClinVar variation 1256244 (VCV001256244.3), dbSNP rs1553319095, ClinGen allele CA346503030.